The following is an entry in ClinVar:

ClinVar aggregate classification (germline): Likely benign (1 of 4 stars; one submission).

Conditions:
Idiopathic basal ganglia calcification 1 (PFBC1A). Also called: Familial Idiopathic Basal Ganglia Calcification 2; Familial Idiopathic Basal Ganglia Calcification 3; Primary Familial Brain Calcification; PRIMARY FAMILIAL BRAIN CALCIFICATION 1A, AUTOSOMAL DOMINANT; Fahr's syndrome; Cerebral calcification nonarteriosclerotic idiopathic adult-onset. Identifiers: Orphanet 1980, MedGen C4551624, MONDO:0024538, OMIM 213600.

Allele frequency attached by ClinVar (database versions not stated): gnomAD exomes 0.00003 and 0.00002; ExAC 0.00002; gnomAD 0.00001; TOPMed 0.00001; ESP Exome Variant Server 0.00008.
gnomAD v4.1: 37 of 1,613,726 alleles (0.0023%); highest among the groups gnomAD compares: Admixed American, 0.0033%; no homozygotes.

Submission:

Illumina Laboratory Services, Illumina
Classification: Likely benign for Idiopathic basal ganglia calcification 1. Last evaluated: 2018-01-13. Review status: criteria provided, single submitter. Criteria: ICSL Variant Classification Criteria 13 December 2019. Collection method: clinical testing. Allele origin: germline.
Comment: This variant was observed in the ICSL laboratory as part of a predisposition screen in an ostensibly healthy population. It had not been previously curated by ICSL or reported in the Human Gene Mutation Database (HGMD: prior to June 1st, 2018), and was therefore a candidate for classification through an automated scoring system. Utilizing variant allele frequency, disease prevalence and penetrance estimates, and inheritance mode, an automated score was calculated to assess if this variant is too frequent to cause the disease. Based on the score and internal cut-off values, a variant classified as likely benign is not then subjected to further curation. The score for this variant resulted in a classification of likely benign for this disease.

NM_001257180.2(SLC20A2):c.1377G>T (p.Glu459Asp)

Gene: SLC20A2 (solute carrier family 20 member 2; minus strand). Cytogenetic location: 8p11.21.
Variant type: single nucleotide variant.
Coding change: c.1377G>T on transcript NM_001257180.2 (MANE Select); coding-DNA position 1377, G replaced by T.
Protein change: p.Glu459Asp; replaces glutamic acid 459 with aspartic acid.
Molecular consequence: missense variant.
Genome position (GRCh38, 1-based): chr8:42,437,135, C>A on the plus strand (G>T on the coding strand, the complement: SLC20A2 is on the minus strand). VCF-style: chr8-42437135-C-A. GRCh37 (hg19) VCF-style: chr8-42294653-C-A.
Other names: c.1377G>T, p.Glu459Asp (NM_001257181.2, NM_006749.5); short protein forms E459D.
Identifiers: ClinVar variation 363073 (VCV000363073.5), dbSNP rs144428935, ClinGen allele CA4733332.